The following is an entry in ClinVar:

NM_152443.3(RDH12):c.112C>T (p.Pro38Ser)

Genes: RDH12 (retinol dehydrogenase 12; plus strand), GPHN (gephyrin; plus strand). Cytogenetic location: 14q24.1.
Variant type: single nucleotide variant.
Coding change: c.112C>T on transcript NM_152443.3 (MANE Select); coding-DNA position 112, C replaced by T.
Protein change: p.Pro38Ser; replaces proline 38 with serine.
Molecular consequence: missense variant.
Genome position (GRCh38, 1-based): chr14:67,724,516, C>T. VCF-style: chr14-67724516-C-T. GRCh37 (hg19) VCF-style: chr14-68191233-C-T.
Other names: short protein forms P38S.
Identifiers: ClinVar variation 2157670 (VCV002157670.4), dbSNP rs1163773988, ClinGen allele CA390147814.

ClinVar aggregate classification (germline): Uncertain significance (1 of 4 stars; one submission).

Conditions:
Leber congenital amaurosis 13 (LCA13). Identifiers: MedGen C2675186, MONDO:0012990, OMIM 612712.

Allele frequency attached by ClinVar (database versions not stated): gnomAD exomes below 0.00001.
gnomAD v4.1: 1 of 1,612,560 alleles (0.000062%); highest among the groups gnomAD compares: East Asian, 0.0022%; no homozygotes.

Submission:

Labcorp Genetics (formerly Invitae), Labcorp
Classification: Uncertain significance for Leber congenital amaurosis 13. Last evaluated: 2022-09-27. Review status: criteria provided, single submitter. Criteria: Invitae Variant Classification Sherloc (09022015). Collection method: clinical testing. Allele origin: germline.
Comment: Advanced modeling of protein sequence and biophysical properties (such as structural, functional, and spatial information, amino acid conservation, physicochemical variation, residue mobility, and thermodynamic stability) performed at Invitae indicates that this missense variant is not expected to disrupt RDH12 protein function. This variant has not been reported in the literature in individuals affected with RDH12-related conditions. This variant is present in population databases (no rsID available, gnomAD 0.006%). This sequence change replaces proline, which is neutral and non-polar, with serine, which is neutral and polar, at codon 38 of the RDH12 protein (p.Pro38Ser). In summary, the available evidence is currently insufficient to determine the role of this variant in disease. Therefore, it has been classified as a Variant of Uncertain Significance.